The following is an entry in ClinVar:

ClinVar aggregate classification (germline): Uncertain significance. Review status: criteria provided, multiple submitters, no conflicts (2 of 4 stars). 3 submissions from 3 submitters: Uncertain significance (3). Last evaluated 2025-12-22.

Conditions:
Spondylometaphyseal dysplasia - Sutcliffe type. Also called: Spondylometaphyseal dysplasia, 'corner fracture' type; Spondylometaphyseal Dysplasia, Corner Fracture Type; Sutcliffe type of spondylometaphyseal dysplasia; Sutcliffe SMD. Identifiers: Orphanet 93315, MedGen C0432221, MONDO:0008479, OMIM 184255.
Glomerulopathy with fibronectin deposits 2 (GFND2). Identifiers: Orphanet 84090, MedGen C1866075, MONDO:0011165, OMIM 601894.

Allele frequency attached by ClinVar (database versions not stated): ExAC 0.00001; gnomAD 0.00001 and 0.00002; gnomAD exomes 0.00001; TOPMed 0.00002.
gnomAD v4.1: 11 of 1,614,064 alleles (0.00068%); highest among the groups gnomAD compares: Non-Finnish European, 0.00093%; no homozygotes.

Submissions (3):

Labcorp Genetics (formerly Invitae), Labcorp
Classification: Uncertain significance. Last evaluated: 2025-12-22. Review status: criteria provided, single submitter. Criteria: Invitae Variant Classification Sherloc (09022015). Collection method: clinical testing. Allele origin: germline.
Comment: This sequence change creates a premature translational stop signal (p.Glu2183*) in the FN1 gene. It is expected to result in an absent or disrupted protein product. However, the current clinical and genetic evidence is not sufficient to establish whether loss-of-function variants in FN1 cause disease. This variant is present in population databases (rs754396418, gnomAD 0.002%). This variant has not been reported in the literature in individuals affected with FN1-related conditions. ClinVar contains an entry for this variant (Variation ID: 1695003). In summary, the available evidence is currently insufficient to determine the role of this variant in disease. Therefore, it has been classified as a Variant of Uncertain Significance.

Fulgent Genetics
Classification: Uncertain significance for Spondylometaphyseal dysplasia - Sutcliffe type; Glomerulopathy with fibronectin deposits 2. Last evaluated: 2024-05-09. Review status: criteria provided, single submitter. Criteria: ACMG Guidelines, 2015. Collection method: clinical testing. Allele origin: germline.

CeGaT Center for Human Genetics Tuebingen
Classification: Uncertain significance. Last evaluated: 2022-04-01. Review status: criteria provided, single submitter. Criteria: CeGaT Center For Human Genetics Tuebingen Variant Classification Criteria Version 2. Collection method: clinical testing. Allele origin: germline. Affected: yes. Observed: 1 variant allele.
Comment: FN1: PM2, PP4

NM_212482.4(FN1):c.6547G>T (p.Glu2183Ter)

Gene: FN1 (fibronectin 1; minus strand). Cytogenetic location: 2q35.
Variant type: single nucleotide variant.
Coding change: c.6547G>T on transcript NM_212482.4 (MANE Select); coding-DNA position 6547, G replaced by T.
Protein change: p.Glu2183Ter; replaces glutamic acid 2183 with a stop codon.
Molecular consequence: nonsense. On other transcripts: intron variant (10).
Genome position (GRCh38, 1-based): chr2:215,372,076, C>A on the plus strand (G>T on the coding strand, the complement: FN1 is on the minus strand). VCF-style: chr2-215372076-C-A. GRCh37 (hg19) VCF-style: chr2-216236799-C-A.
Other names: c.6277G>T, p.Glu2093Ter (NM_001365517.2); c.6274G>T, p.Glu2092Ter (NM_001365518.2); c.6202G>T, p.Glu2068Ter (NM_001365519.2); c.6199G>T, p.Glu2067Ter (NM_001365520.2); c.5929G>T, p.Glu1977Ter (NM_001365523.2); c.6004G>T, p.Glu2002Ter (NM_212476.3); c.5705-61G>T (NM_212474.3); c.5896+33G>T (NM_001306132.2); and 8 more; short protein forms E1977*, E2002*, E2067*, E2068*, E2092*, E2093*, E2183*.
Identifiers: ClinVar variation 1695003 (VCV001695003.36), dbSNP rs754396418, ClinGen allele CA2093827.